The following is an entry in ClinVar:

ClinVar aggregate classification (germline): Likely pathogenic (1 of 4 stars; one submission).

Submission:

CeGaT Center for Human Genetics Tuebingen
Classification: Likely pathogenic. Last evaluated: 2024-05-01. Review status: criteria provided, single submitter. Criteria: CeGaT Center For Human Genetics Tuebingen Variant Classification Criteria Version 2. Collection method: clinical testing. Allele origin: germline. Affected: yes. Observed: 1 variant allele.
Comment: TTN: PVS1:Strong, PM2

NM_001267550.2(TTN):c.65856dup (p.Val21953fs)

Genes: TTN (titin; minus strand), TTN-AS1 (TTN antisense RNA 1; plus strand). Cytogenetic location: 2q31.2.
Variant type: Duplication.
Coding change: c.65856dup on transcript NM_001267550.2 (MANE Select); coding-DNA position 65856, one base duplicated (A; older notation c.65856dupA).
Protein change: p.Val21953fs; shifts the reading frame from valine 21953.
Molecular consequence: frameshift variant.
Genome position (GRCh38, 1-based): chr2:178,582,947, T duplicated on the plus strand (A on the coding strand, the reverse complement: TTN is on the minus strand); the first of 3 consecutive T bases (chr2:178,582,947-178,582,949); duplicating any one gives the same sequence. VCF-style (leftmost placement, unchanged base first): chr2-178582946-C-CT. GRCh37 (hg19) VCF-style: chr2-179447673-C-CT.
Other names: c.60933dup, p.Val20312fs (NM_001256850.1); c.38661dup, p.Val12888fs (NM_003319.4); c.58152dup, p.Val19385fs (NM_133378.4); c.39036dup, p.Val13013fs (NM_133432.3); c.39237dup, p.Val13080fs (NM_133437.4); short protein forms V12888fs, V13013fs, V13080fs, V19385fs, V20312fs, V21953fs.
Identifiers: ClinVar variation 3239410 (VCV003239410.19), dbSNP rs2469059697.